The following is an entry in ClinVar:

NM_000104.4(CYP1B1):c.498C>T (p.Leu166=)

Gene: CYP1B1 (cytochrome P450 family 1 subfamily B member 1; minus strand). Cytogenetic location: 2p22.2.
Variant type: single nucleotide variant.
Coding change: c.498C>T on transcript NM_000104.4 (MANE Select); coding-DNA position 498, C replaced by T.
Protein change: p.Leu166=; no amino-acid change (leucine 166 retained).
Molecular consequence: synonymous variant.
Genome position (GRCh38, 1-based): chr2:38,074,891, G>A on the plus strand (C>T on the coding strand, the complement: CYP1B1 is on the minus strand). VCF-style: chr2-38074891-G-A. GRCh37 (hg19) VCF-style: chr2-38302034-G-A.
Other names: NM_000104.4(CYP1B1):c.498C>T; p.Leu166=.
Identifiers: ClinVar variation 2823711 (VCV002823711.4), dbSNP rs775055418, ClinGen allele CA425865187.

ClinVar aggregate classification (germline): Uncertain significance. Review status: reviewed by expert panel (3 of 4 stars). 2 submissions from 2 submitters: Uncertain significance (1). 1 of the submissions does not count toward it. Last evaluated 2026-10-27.

Conditions:
CYP1B1-related glaucoma with or without anterior segment dysgenesis. Identifiers: MedGen CN375931, MONDO:0800472.
Congenital glaucoma. Identifiers: MedGen C0020302, MONDO:0020366.

Allele frequency attached by ClinVar (database versions not stated): gnomAD 0.00001.
gnomAD v4.1: 2 of 1,556,432 alleles (0.00013%); highest among the groups gnomAD compares: Non-Finnish European, 0.00017%; no homozygotes.

Submissions (2):

ClinGen Glaucoma Variant Curation Expert Panel
Classification: Uncertain significance for CYP1B1-related glaucoma with or without anterior segment dysgenesis. Last evaluated: 2026-10-27. Review status: reviewed by expert panel. Criteria: ClinGen Glaucoma ACMG Specifications CYP1B1 V2.0. Collection method: curation. Allele origin: germline. Inheritance: Autosomal recessive inheritance.
Comment: The c.498C>T variant in CYP1B1 is a synonymous variant (p.Leu166=). The highest minor allele frequency of this variant was in the European (non-Finnish) genetic ancestry group of gnomAD (v4.1) = 0.000001733 (2 alleles out of 1,154,182), which met the ≤ 0.0005 threshold set for PM2_Supporting in a genetic ancestry group of at least 2,000 alleles. The SpliceAI score = 0, which met the ≤ 0.1 threshold for BP4, suggesting that the variant does not impact CYP1B1 function. This synonymous variant is located outside of the first and the last 3 bases of the exon and BP4 is met, so BP7 is met. There was no functional evidence predicting a damaging or benign impact of this variant on CYP1B1 function. This variant has been identified in an individual in laboratory testing (ClinVar database), however BP4 is met, therefore PM3 was not assessed. In summary, this variant met the criteria to receive a score of -1 and to be classified as a variant of uncertain significance (uncertain significance classification range -1 to 5, adapted from PMID: 32720330) for CYP1B1-related glaucoma with or without anterior segment dysgenesis (ASD) based on the ACMG/AMP criteria met, as specified by the ClinGen Glaucoma VCEP (v2.0, 16.07.2026): BP4, BP7, PM2_Supporting.

Labcorp Genetics (formerly Invitae), Labcorp
Classification: Likely benign for Congenital glaucoma. Last evaluated: 2023-11-06. Review status: criteria provided, single submitter. Criteria: Invitae Variant Classification Sherloc (09022015). Collection method: clinical testing. Allele origin: germline. Not counted in ClinVar's aggregate classification.